The following is an entry in ClinVar:

ClinVar aggregate classification (germline): Benign (1 of 4 stars; one submission).

Allele frequency attached by ClinVar (database versions not stated): 1000 Genomes Project 0.24641; 1000 Genomes Project 30x 0.24828; TOPMed 0.27710; gnomAD 0.28364 and 0.28734.
gnomAD v4.1: 42,948 of 151,220 alleles (28%); highest among the groups gnomAD compares: Non-Finnish European, 31%; 6,192 homozygotes.

Submission:

GeneDx
Classification: Benign. Last evaluated: 2018-06-19. Review status: criteria provided, single submitter. Criteria: GeneDx Variant Classification (06012015). Collection method: clinical testing. Allele origin: germline. Affected: yes.
Comment: This variant is considered likely benign or benign based on one or more of the following criteria: it is a conservative change, it occurs at a poorly conserved position in the protein, it is predicted to be benign by multiple in silico algorithms, and/or has population frequency not consistent with disease.

NM_000089.4(COL1A2):c.2025+301C>T

Gene: COL1A2 (collagen type I alpha 2 chain; plus strand). Cytogenetic location: 7q21.3.
Variant type: single nucleotide variant.
Coding change: c.2025+301C>T on transcript NM_000089.4 (MANE Select); 301 bases into the intron after coding-DNA position 2025, C replaced by T.
Molecular consequence: intron variant.
Genome position (GRCh38, 1-based): chr7:94,418,853, C>T. VCF-style: chr7-94418853-C-T. GRCh37 (hg19) VCF-style: chr7-94048165-C-T.
Identifiers: ClinVar variation 683336 (VCV000683336.1), dbSNP rs2023729, ClinGen allele CA12635968.